The following is an entry in ClinVar:

ClinVar aggregate classification (germline): Pathogenic (0 of 4 stars; one submission).

Conditions:
Carcinoma of colon (CRC). Also called: Colonic carcinoma; Colon carcinoma. Identifiers: MedGen C0699790, MONDO:0002032.

Submission:

Department of Pathology and Laboratory Medicine, Sinai Health System
Classification: Pathogenic for Carcinoma of colon. Review status: no assertion criteria provided. Collection method: clinical testing. Allele origin: unknown. Affected: yes. Observed: 2 variant alleles. Study: The Canadian Open Genetics Repository (COGR).
Comment: The MSH6 c.458-?_627+?del variant results in a deletion of exon 3, although the precise breakpoints of this deletion were not determined, nor were the effects of this variant on the resulting mRNA or protein product determined. The MSH6 c.458-?_627+?del variant was identified in 3 of 208 proband chromosomes (frequency: 0.014) from individuals or families with Lynch Syndrome and ovarian cancer (Talseth-Palmer 2016, Talseth-Palmer 2010); however, control chromosomes were not evaluated in these studies, thus the prevalence of this variant in the general population could not be determined. The variant was not identified in the Clinvitae database, COSMIC, â€šÃ„ÃºMismatch Repair Genes Variant Databaseâ€šÃ„Ã¹, â€šÃ„ÃºMMR Gene Unclassified Variants Databaseâ€šÃ„Ã¹, InSiGHT Colon Cancer Gene Variant Database (LOVD), Zhejiang Colon Cancer Database (LOVD), ClinVar database, GeneInsight - COGR database and UMD. This alteration is predicted to result in a truncated or absent protein and loss of function. Loss of function variants of the MSH6 gene are an established mechanism of disease in Lynch syndrome and this is the type of variant expected to cause the disorder. In summary, based on the above information, this variant meets our laboratoryâ€šÃ„Ã´s criteria to be classified as pathogenic.

NM_000179.3(MSH6):c.458-2_627+1del

Gene: MSH6 (mutS homolog 6; plus strand). Cytogenetic location: 2p16.3.
Variant type: Deletion.
Coding change: c.458-2_627+1del on transcript NM_000179.3 (MANE Select); the canonical splice acceptor site of the intron before coding-DNA position 458 through the canonical splice donor site of the intron after coding-DNA position 627, 173 bases deleted.
Molecular consequence: splice acceptor variant, splice donor variant. On other transcripts: intron variant (2).
Genome position (GRCh38, 1-based): chr2:47,795,892-47,796,064, 173 bases deleted. GRCh37 (hg19): chr2:48,023,031-48,023,203.
Other names: c.-279-2719_-279-2547del (NM_001281493.2); c.238-2719_238-2547del (NM_001281492.2); c.-445-2_-276+1del (NM_001281494.2).
Identifiers: ClinVar variation 1049393 (VCV001049393.1), dbSNP rs2104227755, ClinGen allele CA2499216086.